The following is an entry in ClinVar:

NM_004369.4(COL6A3):c.2895G>T (p.Gln965His)

Gene: COL6A3 (collagen type VI alpha 3 chain; minus strand). Cytogenetic location: 2q37.3.
Variant type: single nucleotide variant.
Coding change: c.2895G>T on transcript NM_004369.4 (MANE Select); coding-DNA position 2895, G replaced by T.
Protein change: p.Gln965His; replaces glutamine 965 with histidine.
Molecular consequence: missense variant.
Genome position (GRCh38, 1-based): chr2:237,376,947, C>A on the plus strand (G>T on the coding strand, the complement: COL6A3 is on the minus strand). VCF-style: chr2-237376947-C-A. GRCh37 (hg19) VCF-style: chr2-238285590-C-A.
Other names: c.1674G>T, p.Gln558His (NM_057164.5); c.2277G>T, p.Gln759His (NM_057165.5, NM_057167.4); c.1074G>T, p.Gln358His (NM_057166.5); short protein forms Q965H, Q358H, Q759H, Q558H.
Identifiers: ClinVar variation 476513 (VCV000476513.7), dbSNP rs775993027, ClinGen allele CA67825307.

ClinVar aggregate classification (germline): Uncertain significance. Review status: criteria provided, multiple submitters, no conflicts (2 of 4 stars). 2 submissions from 2 submitters: Uncertain significance (2). Last evaluated 2024-12-11.

Conditions:
Bethlem myopathy 1A. Also called: Bethlem Muscular Dystrophy; MYOPATHY, BENIGN CONGENITAL, WITH CONTRACTURES; Bethlem myopathy 1. Identifiers: Orphanet 610, MedGen CN029274, MONDO:0024530, OMIM 158810.

Allele frequency attached by ClinVar (database versions not stated): TOPMed below 0.00001; gnomAD 0.00001.
gnomAD v4.1: 17 of 1,614,136 alleles (0.0011%); highest among the groups gnomAD compares: Non-Finnish European, 0.0014%; no homozygotes.

Submissions (2):

GeneDx
Classification: Uncertain significance. Last evaluated: 2024-12-11. Review status: criteria provided, single submitter. Criteria: GeneDx Variant Classification Process June 2021. Collection method: clinical testing. Allele origin: germline. Affected: yes.
Comment: Not observed at significant frequency in large population cohorts (gnomAD); In silico analysis supports that this missense variant has a deleterious effect on protein structure/function; Has not been previously published as pathogenic or benign to our knowledge

Labcorp Genetics (formerly Invitae), Labcorp
Classification: Uncertain significance for Bethlem myopathy 1A. Last evaluated: 2021-08-24. Review status: criteria provided, single submitter. Criteria: Invitae Variant Classification Sherloc (09022015). Collection method: clinical testing. Allele origin: germline.
Comment: This sequence change replaces glutamine with histidine at codon 965 of the COL6A3 protein (p.Gln965His). The glutamine residue is moderately conserved and there is a small physicochemical difference between glutamine and histidine. This variant is not present in population databases (ExAC no frequency). This variant has not been reported in the literature in individuals affected with COL6A3-related conditions. Algorithms developed to predict the effect of missense changes on protein structure and function are either unavailable or do not agree on the potential impact of this missense change (SIFT: "Deleterious"; PolyPhen-2: "Benign"; Align-GVGD: "Class C0"). In summary, the available evidence is currently insufficient to determine the role of this variant in disease. Therefore, it has been classified as a Variant of Uncertain Significance.